The following is an entry in ClinVar:

NM_018136.5(ASPM):c.7023C>T (p.Ile2341=)

Gene: ASPM (assembly factor for spindle microtubules; minus strand). Cytogenetic location: 1q31.3.
Variant type: single nucleotide variant.
Coding change: c.7023C>T on transcript NM_018136.5 (MANE Select); coding-DNA position 7023, C replaced by T.
Protein change: p.Ile2341=; no amino-acid change (isoleucine 2341 retained).
Molecular consequence: synonymous variant. On other transcripts: intron variant (1).
Genome position (GRCh38, 1-based): chr1:197,102,228, G>A on the plus strand (C>T on the coding strand, the complement: ASPM is on the minus strand). VCF-style: chr1-197102228-G-A. GRCh37 (hg19) VCF-style: chr1-197071358-G-A.
Other names: c.4066-6064C>T (NM_001206846.2).
Identifiers: ClinVar variation 157861 (VCV000157861.21), dbSNP rs115891952, ClinGen allele CA171238.

ClinVar aggregate classification (germline): Benign/Likely benign. Review status: criteria provided, multiple submitters, no conflicts (2 of 4 stars). 7 submissions from 7 submitters: Benign (5); Likely benign (2). Last evaluated 2026-01-26.

Conditions:
Microcephaly 5, primary, autosomal recessive (MCPH5). Also called: ASPM Primary Microcephaly. Identifiers: Orphanet 2512, MedGen C1837501, MONDO:0012106, OMIM 608716.

Allele frequency attached by ClinVar (database versions not stated): gnomAD exomes 0.00087 and 0.00229; ExAC 0.00270; 1000 Genomes Project 0.00759; gnomAD 0.00773 and 0.00843; 1000 Genomes Project 30x 0.00843; TOPMed 0.00882; ESP Exome Variant Server 0.00969.
gnomAD v4.1: 2,530 of 1,612,702 alleles (0.16%); highest among the groups gnomAD compares: African/African-American, 2.8%; 27 homozygotes.

Submissions (7):

Labcorp Genetics (formerly Invitae), Labcorp
Classification: Benign. Last evaluated: 2026-01-26. Review status: criteria provided, single submitter. Criteria: Invitae Variant Classification Sherloc (09022015). Collection method: clinical testing. Allele origin: germline.

Genome-Nilou Lab
Classification: Benign for Microcephaly 5, primary, autosomal recessive. Last evaluated: 2023-04-11. Review status: criteria provided, single submitter. Criteria: ACMG Guidelines, 2015. Collection method: clinical testing. Allele origin: germline. Affected: no.

Athena Diagnostics
Classification: Benign. Last evaluated: 2018-03-27. Review status: criteria provided, single submitter. Criteria: Athena Diagnostics Criteria. Collection method: clinical testing. Allele origin: germline.

Illumina Laboratory Services, Illumina
Classification: Benign for Microcephaly 5, primary, autosomal recessive. Last evaluated: 2018-01-12. Review status: criteria provided, single submitter. Criteria: ICSL Variant Classification Criteria 13 December 2019. Collection method: clinical testing. Allele origin: germline.
Comment: This variant was observed in the ICSL laboratory as part of a predisposition screen in an ostensibly healthy population. It had not been previously curated by ICSL or reported in the Human Gene Mutation Database (HGMD: prior to June 1st, 2018), and was therefore a candidate for classification through an automated scoring system. Utilizing variant allele frequency, disease prevalence and penetrance estimates, and inheritance mode, an automated score was calculated to assess if this variant is too frequent to cause the disease. Based on the score and internal cut-off values, a variant classified as benign is not then subjected to further curation. The score for this variant resulted in a classification of benign for this disease.

GeneDx
Classification: Benign. Last evaluated: 2016-03-18. Review status: criteria provided, single submitter. Criteria: GeneDx Variant Classification (06012015). Collection method: clinical testing. Allele origin: germline. Affected: yes.
Comment: This variant is considered likely benign or benign based on one or more of the following criteria: it is a conservative change, it occurs at a poorly conserved position in the protein, it is predicted to be benign by multiple in silico algorithms, and/or has population frequency not consistent with disease.

Genetic Services Laboratory, University of Chicago
Classification: Likely benign. Last evaluated: 2013-05-10. Review status: criteria provided, single submitter. Criteria: ACMG Guidelines, 2007. Collection method: clinical testing. Allele origin: germline. Inheritance: Autosomal recessive inheritance.
Comment: Likely benign based on allele frequency in 1000 Genomes Project or ESP global frequency and its presence in a patient with a rare or unrelated disease phenotype. NOT Sanger confirmed

Breakthrough Genomics
Classification: Likely benign. Review status: criteria provided, single submitter. Criteria: ACMG Guidelines, 2015. Collection method: not provided. Allele origin: germline. Inheritance: Autosomal recessive inheritance. Affected: yes.